The following is an entry in ClinVar:

ClinVar aggregate classification (germline): Likely pathogenic (1 of 4 stars; one submission).

Conditions:
Autosomal recessive limb-girdle muscular dystrophy type 2J (LGMDR10). Also called: Limb-girdle muscular dystrophy, type 2J; MUSCULAR DYSTROPHY, LIMB-GIRDLE, AUTOSOMAL RECESSIVE 10. Identifiers: Orphanet 140922, MedGen C1837342, MONDO:0012127, OMIM 608807.
Dilated cardiomyopathy 1G (CMD1G). Identifiers: Orphanet 154, MedGen C1858763, MONDO:0011400, OMIM 604145.

Submission:

Labcorp Genetics (formerly Invitae), Labcorp
Classification: Likely pathogenic for Dilated cardiomyopathy 1G; Autosomal recessive limb-girdle muscular dystrophy type 2J. Last evaluated: 2022-03-09. Review status: criteria provided, single submitter. Criteria: Invitae Variant Classification Sherloc (09022015). Collection method: clinical testing. Allele origin: germline.
Comment: This variant has not been reported in the literature in individuals affected with TTN-related conditions. This variant is not present in population databases (gnomAD no frequency). This sequence change creates a premature translational stop signal (p.Trp26433*) in the TTN gene. While this is not anticipated to result in nonsense mediated decay, it is expected to create a truncated TTN protein. ClinVar contains an entry for this variant (Variation ID: 576041). In summary, the currently available evidence indicates that the variant is pathogenic, but additional data are needed to prove that conclusively. Therefore, this variant has been classified as Likely Pathogenic. This variant is located in the A band of TTN (PMID: 25589632). Truncating variants in this region are significantly overrepresented in patients affected with dilated cardiomyopathy (PMID: 25589632). Truncating variants in this region have also been reported in individuals affected with autosomal recessive centronuclear myopathy (PMID: 23975875).

Literature cited by the submitters: PubMed 25589632; PubMed 23975875.

NM_001267550.2(TTN):c.79298G>A (p.Trp26433Ter)

Genes: TTN (titin; minus strand), TTN-AS1 (TTN antisense RNA 1; plus strand). Cytogenetic location: 2q31.2.
Variant type: single nucleotide variant.
Coding change: c.79298G>A on transcript NM_001267550.2 (MANE Select); coding-DNA position 79298, G replaced by A.
Protein change: p.Trp26433Ter; replaces tryptophan 26433 with a stop codon.
Molecular consequence: nonsense.
Genome position (GRCh38, 1-based): chr2:178,566,834, C>T on the plus strand (G>A on the coding strand, the complement: TTN is on the minus strand). VCF-style: chr2-178566834-C-T. GRCh37 (hg19) VCF-style: chr2-179431561-C-T.
Other names: c.74375G>A, p.Trp24792Ter (NM_001256850.1); c.71594G>A, p.Trp23865Ter (NM_133378.4); c.52478G>A, p.Trp17493Ter (NM_133432.3); c.52679G>A, p.Trp17560Ter (NM_133437.4); c.52103G>A, p.Trp17368Ter (NM_003319.4); short protein forms W26433*, W17560*, W23865*, W17368*, W17493*, W24792*.
Identifiers: ClinVar variation 576041 (VCV000576041.11), dbSNP rs1559355268, ClinGen allele CA349598018.
Genomic context (GRCh38, chr2:178,566,834, plus strand): 5'-TCTGTTAATCCTGTCACTCTTAGACGCAAATCTGTAATGCGGCGTTTATTACATTTTATC[C>T]ATCGAATGCCACTTCTGTCTCTTTTCTCTACAATGTAACCAATAATCTCACTTCCACCAT-3'